The following is an entry in ClinVar:

ClinVar aggregate classification (germline): Conflicting classifications of pathogenicity. Review status: criteria provided, conflicting classifications (1 of 4 stars). 11 submissions from 11 submitters: Uncertain significance (8); Benign (1). 2 of the submissions do not count toward it. Last evaluated 2025-11-03.

Conditions:
PMS2-related disorder. Also called: PMS2-related condition.
Hereditary nonpolyposis colorectal neoplasms. Identifiers: MedGen C0009405, MeSH D003123.
Hereditary cancer-predisposing syndrome. Also called: Hereditary Cancer Syndrome; Hereditary neoplastic syndrome; Neoplastic Syndromes, Hereditary; Tumor predisposition. Identifiers: Orphanet 140162, MedGen C0027672, MeSH D009386, MONDO:0015356.
Lynch syndrome. Identifiers: Orphanet 144, MedGen C4552100, MONDO:0005835. Disease mechanism: loss of function.
Lynch syndrome 4 (LYNCH4). Also called: Hereditary non-polyposis colorectal cancer, type 4; Colorectal cancer, hereditary nonpolyposis, type 4. Identifiers: Orphanet 144, MedGen C1838333, MONDO:0013699, OMIM 614337. Disease mechanism: loss of function.

Allele frequency attached by ClinVar (database versions not stated): gnomAD 0.00003; TOPMed 0.00004; 1000 Genomes Project 0.00060; 1000 Genomes Project 30x 0.00062.
gnomAD v4.1: 88 of 1,610,668 alleles (0.0055%); highest among the groups gnomAD compares: South Asian, 0.059%; no homozygotes.

Submissions (11):

Labcorp Genetics (formerly Invitae), Labcorp
Classification: Benign for Hereditary nonpolyposis colorectal neoplasms. Last evaluated: 2025-11-03. Review status: criteria provided, single submitter. Criteria: Invitae Variant Classification Sherloc (09022015). Collection method: clinical testing. Allele origin: germline.

Color Diagnostics, LLC DBA Color Health
Classification: Uncertain significance for Hereditary cancer-predisposing syndrome. Last evaluated: 2025-10-29. Review status: criteria provided, single submitter. Criteria: ACMG Guidelines, 2015. Collection method: clinical testing. Allele origin: germline.
Comment: This missense variant replaces arginine with tryptophan at codon 20 of the PMS2 protein. Computational prediction is inconclusive regarding the impact of this variant on protein structure and function. To our knowledge, functional studies have not been reported for this variant. This variant has been reported in individuals affected with Lynch syndrome-associated cancer and/or colon polyps (PMID: 25980754), breast cancer (PMID: 30093976), and gastric cancer (PMID: 36627197). This variant has been identified in 13/277000 chromosomes in the general population by the Genome Aggregation Database (gnomAD). The available evidence is insufficient to determine the role of this variant in disease conclusively. Therefore, this variant is classified as a Variant of Uncertain Significance.

Ambry Genetics
Classification: Uncertain significance for Hereditary cancer-predisposing syndrome. Last evaluated: 2025-04-11. Review status: criteria provided, single submitter. Criteria: Ambry Variant Classification Scheme 2023. Collection method: clinical testing. Allele origin: germline.
Comment: The p.R20W variant (also known as c.58C>T), located in coding exon 2 of the PMS2 gene, results from a C to T substitution at nucleotide position 58. The arginine at codon 20 is replaced by tryptophan, an amino acid with dissimilar properties. This alteration was identified in a cohort of 1260 individuals undergoing panel testing for Lynch syndrome due to having a diagnosis of a Lynch-associated cancer and/or polyps (Yurgelun MB et al. Gastroenterology, 2015 Sep;149:604-13.e20). This amino acid position is not well conserved in available vertebrate species. In addition, the in silico prediction for this alteration is inconclusive. Since supporting evidence is limited at this time, the clinical significance of this alteration remains unclear.

Baylor Genetics
Classification: Uncertain significance for Lynch syndrome 4. Last evaluated: 2024-03-19. Review status: criteria provided, single submitter. Criteria: ACMG Guidelines, 2015. Collection method: clinical testing. Allele origin: unknown.

All of Us Research Program, National Institutes of Health
Classification: Uncertain significance for Lynch syndrome. Last evaluated: 2023-10-06. Review status: criteria provided, single submitter. Criteria: ACMG Guidelines, 2015. Collection method: clinical testing. Allele origin: germline. Inheritance: Autosomal dominant inheritance. Observed: 1 variant allele, 1 heterozygote.
Comment: This missense variant replaces arginine with tryptophan at codon 20 of the PMS2 protein. Computational prediction is inconclusive regarding the impact of this variant on protein structure and function (internally defined REVEL score threshold 0.5 < inconclusive < 0.7, PMID: 27666373). To our knowledge, functional studies have not been reported for this variant. This variant has been reported in individuals affected with Lynch syndrome-associated cancer and/or colon polyps (PMID: 25980754), breast cancer (PMID: 30093976), and gastric cancer (PMID: 36627197). This variant has been identified in 13/277000 chromosomes in the general population by the Genome Aggregation Database (gnomAD). The available evidence is insufficient to determine the role of this variant in disease conclusively. Therefore, this variant is classified as a Variant of Uncertain Significance.

This study involves interpretation of variants in research participants for the purpose of population health screening. Participant phenotype was not available at the time of variant classification. Additional details can be found in publication PMID: 35346344, PMCID: PMC8962531

GeneDx
Classification: Uncertain significance. Last evaluated: 2023-09-05. Review status: criteria provided, single submitter. Criteria: GeneDx Variant Classification Process June 2021. Collection method: clinical testing. Allele origin: germline. Affected: yes.
Comment: In silico analysis supports that this missense variant has a deleterious effect on protein structure/function; Identified in patients with Lynch syndrome-associated cancers/polyps or breast cancer (Yurgelun et al., 2015; Chan et al., 2018; Zhang et al., 2023); This variant is associated with the following publications: (PMID: 25980754, 30093976, 11574484, 18768816, 36627197, 21239990)

Myriad Genetics, Inc.
Classification: Uncertain significance for Lynch syndrome 4. Last evaluated: 2023-04-04. Review status: criteria provided, single submitter. Criteria: Myriad Autosomal Dominant, Autosomal Recessive and X-Linked Classification Criteria (2023). Collection method: clinical testing. Allele origin: unknown.
Comment: This variant is classified as a variant of uncertain significance as there is insufficient evidence to determine its impact on protein function and/or cancer risk.

Department of Pathology and Laboratory Medicine, Sinai Health System
Classification: Uncertain significance for Lynch syndrome. Last evaluated: 2023-03-15. Review status: criteria provided, single submitter. Criteria: ACMG Guidelines, 2015. Collection method: clinical testing. Allele origin: germline. Affected: yes.

Women's Health and Genetics/Laboratory Corporation of America, LabCorp
Classification: Uncertain significance. Last evaluated: 2017-11-03. Review status: criteria provided, single submitter. Criteria: LabCorp Variant Classification Summary - May 2015. Collection method: clinical testing. Allele origin: germline.
Comment: Variant summary: The PMS2 c.58C>T (p.Arg20Trp) variant involves the alteration of a conserved nucleotide. 4/4 in silico tools predict a damaging outcome for this variant (SNPsandGO not captured due to low reliability index). This variant was found in 13/271264 control chromosomes at a frequency of 0.0000479, which does not exceed the estimated maximal expected allele frequency of a pathogenic PMS2 variant (0.0001136). The variant was reported in one patient undergoing genetic testing for Lynch syndrome without strong evidence for or against pathogenicity (Yurgelun_2015). In addition, multiple clinical diagnostic laboratories/reputable databases classified this variant as uncertain significance. Taken together, this variant is classified as VUS.

PreventionGenetics, part of Exact Sciences
Classification: Uncertain significance for PMS2-related condition. Last evaluated: 2024-02-13. Review status: no assertion criteria provided. Collection method: clinical testing. Allele origin: germline. Not counted in ClinVar's aggregate classification.
Comment: The PMS2 c.58C>T variant is predicted to result in the amino acid substitution p.Arg20Trp. This variant has been reported in an individual with breast cancer and an individual undergoing Lynch syndrome genetic testing (Table S2, Chan et al. 2018. PubMed ID: 30093976; Table S2, Yurgelan et al. 2015. PubMed ID: 25980754). This variant is reported in 0.030% of alleles in individuals of South Asian descent in gnomAD and is interpreted as uncertain significance in ClinVar. At this time, the clinical significance of this variant is uncertain due to the absence of conclusive functional and genetic evidence.

Counsyl
Classification: Uncertain significance for Lynch syndrome 4. Last evaluated: 2016-11-09. Review status: no assertion criteria provided. Collection method: clinical testing. Allele origin: unknown. Not counted in ClinVar's aggregate classification.

Literature cited by the submitters: PubMed 25980754 (cited by 6 submitters); PubMed 30093976 (cited by 4 submitters); PubMed 36627197 (cited by Color Diagnostics, LLC DBA Color Health and All of Us Research Program, National Institutes of Health); PubMed 18768816 (cited by Ambry Genetics); PubMed 21239990 (cited by Ambry Genetics).

NM_000535.7(PMS2):c.58C>T (p.Arg20Trp)

Gene: PMS2 (PMS1 homolog 2, mismatch repair system component; minus strand). Cytogenetic location: 7p22.1.
Variant type: single nucleotide variant.
Coding change: c.58C>T on transcript NM_000535.7 (MANE Select); coding-DNA position 58, C replaced by T.
Protein change: p.Arg20Trp; replaces arginine 20 with tryptophan.
Molecular consequence: missense variant. On other transcripts: 5 prime UTR variant (8), non-coding transcript variant (1), intron variant (3).
Genome position (GRCh38, 1-based): chr7:6,005,997, G>A on the plus strand (C>T on the coding strand, the complement: PMS2 is on the minus strand). VCF-style: chr7-6005997-G-A. GRCh37 (hg19) VCF-style: chr7-6045628-G-A.
Other names: c.-348C>T (NM_001322003.2, NM_001322005.2, NM_001322009.2 and 1 more transcripts); c.58C>T, p.Arg20Trp (NM_001322006.2, NM_001322014.2); c.-158C>T (NM_001322007.2); c.-827C>T (NM_001322011.2, NM_001322012.2); c.-427C>T (NM_001322015.2); c.-52-1939C>T (NM_001322008.2); c.-242-1939C>T (NM_001322010.2, NM_001322004.2); short protein forms R20W.
Identifiers: ClinVar variation 216461 (VCV000216461.35), dbSNP rs573374779, ClinGen allele CA050487.
Genomic context (GRCh38, chr7:6,005,997, plus strand): 5'-TTACCGCAGTGCTTAGACTCAGTACCACCTGCCCAGAGCAAATCTGATGGACTGACTTCC[G>A]ATCAATAGGTTTGATGGCCTTAGCAGGTTCTGTACTAGAGAAATCAGTTACAAGAAACAA-3'
Protein context (NP_000526.2, residues 10-30): EPAKAIKPID[Arg20Trp]KSVHQICSGQ